The following is an entry in ClinVar:

NM_021224.6(ZNF462):c.4621A>G (p.Ile1541Val)

Gene: ZNF462 (zinc finger protein 462; plus strand). Cytogenetic location: 9q31.2.
Variant type: single nucleotide variant.
Coding change: c.4621A>G on transcript NM_021224.6 (MANE Select); coding-DNA position 4621, A replaced by G.
Protein change: p.Ile1541Val; replaces isoleucine 1541 with valine.
Molecular consequence: missense variant. On other transcripts: intron variant (1).
Genome position (GRCh38, 1-based): chr9:106,928,533, A>G. VCF-style: chr9-106928533-A-G. GRCh37 (hg19) VCF-style: chr9-109690814-A-G.
Other names: c.3252+1369A>G (NM_001347997.2); short protein forms I1541V.
Identifiers: ClinVar variation 4978407 (VCV004978407.1).
Genomic context (GRCh38, chr9:106,928,533, plus strand): 5'-CCATACATCAACACCCGCATCCACGGCGTACTGACCCACTACCAGAAGCGACACCCGTCC[A>G]TCAAGGTGACCGCTGAGGACTTTGTGCACGACGTAGAGCAGTCTGCTGACATATCCCAGA-3'
Protein context (NP_067047.4, residues 1531-1551): LTHYQKRHPS[Ile1541Val]KVTAEDFVHD

ClinVar aggregate classification (germline): Uncertain significance (1 of 4 stars; one submission).

Conditions:
ZNF462-related disorder. Also called: ZNF462 related disease; ZNF462-related condition.

gnomAD v4.1: 35 of 1,614,024 alleles (0.0022%); highest among the groups gnomAD compares: Admixed American, 0.037%; no homozygotes.

Submission:

PreventionGenetics, part of Exact Sciences
Classification: Uncertain significance for ZNF462-related condition. Last evaluated: 2025-06-11. Review status: criteria provided, single submitter. Criteria: ACMG Guidelines, 2015. Collection method: clinical testing. Allele origin: germline.
Comment: The ZNF462 c.4621A>G variant is predicted to result in the amino acid substitution p.Ile1541Val. To our knowledge, this variant has not been reported in the literature. This variant is reported in 0.0058% of alleles in individuals of Latino descent in gnomAD. At this time, the clinical significance of this variant is uncertain due to the absence of conclusive functional and genetic evidence.